The following is an entry in ClinVar:

ClinVar aggregate classification (germline): Uncertain significance (1 of 4 stars; one submission).

Conditions:
Neurodevelopmental disorder with microcephaly, seizures, and cortical atrophy. Identifiers: MedGen C4540493, MONDO:0060621, OMIM 617802.

gnomAD v4.1: 1 of 1,612,628 alleles (0.000062%); highest among the groups gnomAD compares: Middle Eastern, 0.016%; no homozygotes.

Submission:

Baylor Genetics
Classification: Uncertain significance for Neurodevelopmental disorder with microcephaly, seizures, and cortical atrophy. Last evaluated: 2020-06-03. Review status: criteria provided, single submitter. Criteria: ACMG Guidelines, 2015. Collection method: clinical testing. Allele origin: unknown. Affected: yes.
Comment: This variant was determined to be of uncertain significance according to ACMG Guidelines, 2015 [PMID:25741868].

NM_006295.3(VARS1):c.1747A>C (p.Met583Leu)

Gene: VARS1 (valyl-tRNA synthetase 1; minus strand). Cytogenetic location: 6p21.33.
Variant type: single nucleotide variant.
Coding change: c.1747A>C on transcript NM_006295.3 (MANE Select); coding-DNA position 1747, A replaced by C.
Protein change: p.Met583Leu; replaces methionine 583 with leucine.
Molecular consequence: missense variant.
Genome position (GRCh38, 1-based): chr6:31,783,111, T>G on the plus strand (A>C on the coding strand, the complement: VARS1 is on the minus strand). VCF-style: chr6-31783111-T-G. GRCh37 (hg19) VCF-style: chr6-31750888-T-G.
Other names: short protein forms M583L.
Identifiers: ClinVar variation 1029023 (VCV001029023.1), dbSNP rs754969412, ClinGen allele CA363461801.